The following is an entry in ClinVar:

ClinVar aggregate classification (germline): Uncertain significance (1 of 4 stars; one submission).

Submission:

Labcorp Genetics (formerly Invitae), Labcorp
Classification: Uncertain significance. Last evaluated: 2025-03-02. Review status: criteria provided, single submitter. Criteria: Invitae Variant Classification Sherloc (09022015). Collection method: clinical testing. Allele origin: germline.
Comment: This sequence change replaces serine, which is neutral and polar, with asparagine, which is neutral and polar, at codon 477 of the CTNNA1 protein (p.Ser477Asn). This variant is not present in population databases (gnomAD no frequency). This variant has not been reported in the literature in individuals affected with CTNNA1-related conditions. Invitae Evidence Modeling of protein sequence and biophysical properties (such as structural, functional, and spatial information, amino acid conservation, physicochemical variation, residue mobility, and thermodynamic stability) has been performed for this missense variant. However, the output from this modeling did not meet the statistical confidence thresholds required to predict the impact of this variant on CTNNA1 protein function. In summary, the available evidence is currently insufficient to determine the role of this variant in disease. Therefore, it has been classified as a Variant of Uncertain Significance.

NM_001903.5(CTNNA1):c.1430G>A (p.Ser477Asn)

Gene: CTNNA1 (catenin alpha 1; plus strand). Cytogenetic location: 5q31.2.
Variant type: single nucleotide variant.
Coding change: c.1430G>A on transcript NM_001903.5 (MANE Select); coding-DNA position 1430, G replaced by A.
Protein change: p.Ser477Asn; replaces serine 477 with asparagine.
Molecular consequence: missense variant. On other transcripts: 5 prime UTR variant (5).
Genome position (GRCh38, 1-based): chr5:138,917,782, G>A. VCF-style: chr5-138917782-G-A. GRCh37 (hg19) VCF-style: chr5-138253471-G-A.
Other names: c.1430G>A, p.Ser477Asn (NM_001290307.3, NM_001323982.2, NM_001323983.1 and 2 more transcripts); c.1121G>A, p.Ser374Asn (NM_001290309.3); c.1061G>A, p.Ser354Asn (NM_001290310.3); c.320G>A, p.Ser107Asn (NM_001290312.1, NM_001323987.1, NM_001323988.1 and 17 more transcripts); c.1337G>A, p.Ser446Asn (NM_001323986.2); c.-20G>A (NM_001324006.1, NM_001324007.1, NM_001324008.1 and 2 more transcripts); c.227G>A, p.Ser76Asn (NM_001324011.1); c.77G>A, p.Ser26Asn (NM_001324012.1, NM_001324013.1); short protein forms S107N, S26N, S374N, S354N, S446N, S477N, S76N.
Identifiers: ClinVar variation 4755329 (VCV004755329.1).
Genomic context (GRCh38, chr5:138,917,782, plus strand): 5'-AAGTTTAATATCTTTTGCAGGTTATTAATGCTGCACTGGCTTTAGCAGCAAAACCACAGA[G>A]TAAACTGGCCCAAGAGAACATGGATCTTTTTAAAGAACAATGGGAAAAACAAGTCCGTGT-3'
Protein context (NP_001894.2, residues 467-487): AALALAAKPQ[Ser477Asn]KLAQENMDLF